The following is an entry in ClinVar:

NM_000214.3(JAG1):c.2344+7G>A

Gene: JAG1 (jagged canonical Notch ligand 1; minus strand). Cytogenetic location: 20p12.2.
Variant type: single nucleotide variant.
Coding change: c.2344+7G>A on transcript NM_000214.3 (MANE Select); 7 bases into the intron after coding-DNA position 2344, G replaced by A.
Molecular consequence: intron variant.
Genome position (GRCh38, 1-based): chr20:10,644,856, C>T on the plus strand (G>A on the coding strand, the complement: JAG1 is on the minus strand). VCF-style: chr20-10644856-C-T. GRCh37 (hg19) VCF-style: chr20-10625504-C-T.
Identifiers: ClinVar variation 2714698 (VCV002714698.3), dbSNP rs372877582, ClinGen allele CA9764552.
Genomic context (GRCh38, chr20:10,644,856, plus strand): 5'-AAGTCCCCAAGGGTGTCAGGATCTGCTCCGACAGCCCTGGGAGAGTTCAAGGGGGGAGGA[C>T]ACTCACTCTGAGCACAGATGGGCCCCTCCCAGCCTTCCTTGCAGACGCACGTAAAGGACT-3'

ClinVar aggregate classification (germline): Uncertain significance (1 of 4 stars; one submission).

Conditions:
Alagille syndrome due to a JAG1 point mutation. Also called: Alagille Syndrome 1; JAG1-Related Alagille Syndrome; HEPATIC DUCTULAR HYPOPLASIA, SYNDROMATIC. Identifiers: Orphanet 261619, Orphanet 52, MedGen C1956125, MONDO:0016862, OMIM 118450.

Allele frequency attached by ClinVar (database versions not stated): TOPMed below 0.00001; gnomAD exomes 0.00001; ExAC 0.00002; ESP Exome Variant Server 0.00008.
gnomAD v4.1: 7 of 1,597,902 alleles (0.00044%); highest among the groups gnomAD compares: Admixed American, 0.005%; no homozygotes.

Submission:

Labcorp Genetics (formerly Invitae), Labcorp
Classification: Uncertain significance for Alagille syndrome due to a JAG1 point mutation. Last evaluated: 2023-04-08. Review status: criteria provided, single submitter. Criteria: Invitae Variant Classification Sherloc (09022015). Collection method: clinical testing. Allele origin: germline.
Comment: In summary, the available evidence is currently insufficient to determine the role of this variant in disease. Therefore, it has been classified as a Variant of Uncertain Significance. Algorithms developed to predict the effect of sequence changes on RNA splicing suggest that this variant may create or strengthen a splice site. This variant has not been reported in the literature in individuals affected with JAG1-related conditions. This variant is present in population databases (rs372877582, gnomAD 0.006%). This sequence change falls in intron 18 of the JAG1 gene. It does not directly change the encoded amino acid sequence of the JAG1 protein.